The following is an entry in ClinVar:

ClinVar aggregate classification (germline): Likely benign. Review status: criteria provided, multiple submitters, no conflicts (2 of 4 stars). 4 submissions from 4 submitters: Likely benign (4). Last evaluated 2025-09-25.

Conditions:
Birt-Hogg-Dube syndrome 1 (BHD1). Also called: FIBROFOLLICULOMAS WITH TRICHODISCOMAS AND ACROCHORDONS. Identifiers: Orphanet 122, MedGen CN375946, MONDO:0800445, OMIM 135150.
FLCN-related disorder. Also called: FLCN-related condition.
Birt-Hogg-Dube syndrome. Also called: Birt Hogg Dubé syndrome. Identifiers: Orphanet 122, MedGen C0346010, MONDO:0800444.

Allele frequency attached by ClinVar (database versions not stated): gnomAD exomes below 0.00001; ExAC 0.00001.
gnomAD v4.1: 1 of 1,579,252 alleles (0.000063%); highest among the groups gnomAD compares: Non-Finnish European, 0.000087%; no homozygotes.

Submissions (4):

PreventionGenetics, part of Exact Sciences
Classification: Likely benign for FLCN-related condition. Last evaluated: 2025-09-25. Review status: criteria provided, single submitter. Criteria: ACMG Guidelines, 2015. Collection method: clinical testing. Allele origin: germline.
Comment: This variant is classified as likely benign based on ACMG/AMP sequence variant interpretation guidelines (Richards et al. 2015 PMID: 25741868, with internal and published modifications).

Quest Diagnostics Nichols Institute San Juan Capistrano
Classification: Likely benign. Last evaluated: 2025-04-18. Review status: criteria provided, single submitter. Criteria: Quest Diagnostics criteria. Collection method: clinical testing. Allele origin: unknown.

Myriad Genetics, Inc.
Classification: Likely benign for Birt-Hogg-Dube syndrome 1. Last evaluated: 2024-10-24. Review status: criteria provided, single submitter. Criteria: Myriad Autosomal Dominant, Autosomal Recessive and X-Linked Classification Criteria (2023). Collection method: clinical testing. Allele origin: unknown.
Comment: This variant is considered likely benign. This variant is intronic and is not expected to impact mRNA splicing.

Labcorp Genetics (formerly Invitae), Labcorp
Classification: Likely benign for Birt-Hogg-Dube syndrome. Last evaluated: 2024-07-14. Review status: criteria provided, single submitter. Criteria: Invitae Variant Classification Sherloc (09022015). Collection method: clinical testing. Allele origin: germline.

NM_144997.7(FLCN):c.1063-9C>T

Gene: FLCN (folliculin; minus strand). Cytogenetic location: 17p11.2.
Variant type: single nucleotide variant.
Coding change: c.1063-9C>T on transcript NM_144997.7 (MANE Select); 9 bases into the intron before coding-DNA position 1063, C replaced by T.
Molecular consequence: intron variant.
Genome position (GRCh38, 1-based): chr17:17,217,191, G>A on the plus strand (C>T on the coding strand, the complement: FLCN is on the minus strand). VCF-style: chr17-17217191-G-A. GRCh37 (hg19) VCF-style: chr17-17120505-G-A.
Other names: c.1063-9C>T (LRG_325t1, NM_001353231.2, NM_001353230.2 and 1 more transcripts); c.1117-9C>T (NM_001353229.2).
Identifiers: ClinVar variation 460578 (VCV000460578.11), dbSNP rs750271662, ClinGen allele CA8416146.